The following is an entry in ClinVar:

ClinVar aggregate classification (germline): other (0 of 4 stars; one submission).

Conditions:
Familial colorectal cancer. Identifiers: MedGen CN280943, MONDO:0023113. Disease mechanism: loss of function.

Allele frequency attached by ClinVar (database versions not stated): gnomAD 0.65677 and 0.66175; TOPMed 0.67910; 1000 Genomes Project 30x 0.72252.
gnomAD v4.1: 100,602 of 152,044 alleles (66%); highest among the groups gnomAD compares: East Asian, 80%; 33,620 homozygotes.

Submission:

Systems Biology Platform Zhejiang California International NanoSystems Institute
Classification: other for Familial colorectal cancer. Review status: no assertion criteria provided. Collection method: not provided. Allele origin: unknown.
ClinVar note: Converted during submission from cancer to other.

NM_000038.6(APC):c.-18-1090T>C

Gene: APC (APC regulator of WNT signaling pathway; plus strand). Cytogenetic location: 5q22.2.
Variant type: single nucleotide variant.
Coding change: c.-18-1090T>C on transcript NM_000038.6 (MANE Select); 1090 bases into the intron before 18 bases upstream of the start codon, T replaced by C.
Molecular consequence: intron variant.
Genome position (GRCh38, 1-based): chr5:112,753,783, T>C. VCF-style: chr5-112753783-T-C. GRCh37 (hg19) VCF-style: chr5-112089480-T-C.
Other names: c.-18-1090T>C (NM_001354895.2, NM_001127510.3, NM_001354896.2 and 2 more transcripts); c.166-12543T>C (NM_001354897.2, NM_001354902.2, NM_001127511.3); c.61-12543T>C (NM_001354898.2, NM_001354904.2); c.-1053-1090T>C (NM_001354906.2); c.-42-12543T>C (NM_001354900.2, NM_001354901.2, NM_001354905.2).
Identifiers: ClinVar variation 82811 (VCV000082811.2), dbSNP rs2439591, ClinGen allele CA005985.